The following is an entry in ClinVar:

NM_000548.5(TSC2):c.4174C>T (p.Gln1392Ter)

Gene: TSC2 (TSC complex subunit 2; plus strand). Cytogenetic location: 16p13.3.
Variant type: single nucleotide variant.
Coding change: c.4174C>T on transcript NM_000548.5 (MANE Select); coding-DNA position 4174, C replaced by T.
Protein change: p.Gln1392Ter; replaces glutamine 1392 with a stop codon.
Molecular consequence: nonsense.
Genome position (GRCh38, 1-based): chr16:2,084,396, C>T. VCF-style: chr16-2084396-C-T. GRCh37 (hg19) VCF-style: chr16-2134397-C-T.
Other names: c.3973C>T, p.Gln1325Ter (NM_001077183.3); c.4105C>T, p.Gln1369Ter (NM_001114382.3); c.3865C>T, p.Gln1289Ter (NM_001318827.2); c.3829C>T, p.Gln1277Ter (NM_001318829.2); c.3442C>T, p.Gln1148Ter (NM_001318831.2); c.4006C>T, p.Gln1336Ter (NM_001318832.2); c.3976C>T, p.Gln1326Ter (NM_001363528.2); c.4042C>T, p.Gln1348Ter (NM_001370404.1); and 1 more; short protein forms Q1392*, Q1289*, Q1277*, Q1336*, Q1148*, Q1325*, Q1369*, Q1349*.
Identifiers: ClinVar variation 49806 (VCV000049806.13), dbSNP rs45517330, ClinGen allele CA020033.

ClinVar aggregate classification (germline): Pathogenic. Review status: criteria provided, multiple submitters, no conflicts (2 of 4 stars). 10 submissions from 10 submitters: Pathogenic (8). 2 of the submissions do not count toward it. Last evaluated 2025-12-17.

Conditions:
Tuberous sclerosis syndrome (TSC). Also called: Tuberous Sclerosis Complex; Tuberous sclerosis. Identifiers: Orphanet 805, MedGen C0041341, MONDO:0001734.
Tuberous sclerosis 2 (TSC2). Identifiers: Orphanet 805, MedGen C1860707, MONDO:0013199, OMIM 613254.

Submissions (10):

Cambridge Genomics Laboratory, East Genomic Laboratory Hub, NHS Genomic Medicine Service
Classification: Pathogenic for Tuberous sclerosis. Last evaluated: 2025-12-17. Review status: criteria provided, single submitter. Criteria: ACGS Best Practice Guidelines for Variant Classification in Rare Disease 2020. Collection method: clinical testing. Allele origin: germline. Affected: yes.
Comment: PVS1,PM2,PM6,PP4

Labcorp Genetics (formerly Invitae), Labcorp
Classification: Pathogenic for Tuberous sclerosis 2. Last evaluated: 2025-10-09. Review status: criteria provided, single submitter. Criteria: Invitae Variant Classification Sherloc (09022015). Collection method: clinical testing. Allele origin: germline.
Comment: This sequence change creates a premature translational stop signal (p.Gln1392*) in the TSC2 gene. It is expected to result in an absent or disrupted protein product. Loss-of-function variants in TSC2 are known to be pathogenic (PMID: 10205261, 17304050). This variant is not present in population databases (gnomAD no frequency). This premature translational stop signal has been observed in individual(s) with tuberous sclerosis complex (PMID: 32211034, 32313033). ClinVar contains an entry for this variant (Variation ID: 49806). For these reasons, this variant has been classified as Pathogenic.

Genomic Medicine Center of Excellence, King Faisal Specialist Hospital and Research Centre
Classification: Pathogenic for Tuberous sclerosis 2. Last evaluated: 2025-09-10. Review status: criteria provided, single submitter. Criteria: ACMG Guidelines, 2015. Collection method: clinical testing. Allele origin: germline.

Centre of Medical Genetics, University Hospital Muenster
Classification: Pathogenic. Last evaluated: 2021-12-20. Review status: criteria provided, single submitter. Criteria: ACMG Guidelines, 2015. Collection method: clinical testing. Allele origin: unknown. Affected: yes. Observed: 1 variant allele, 1 heterozygote.
Comment: ACMG categories: PVS1,PS1,PP3,PP4,PP5

Genome-Nilou Lab
Classification: Pathogenic for Tuberous sclerosis 2. Last evaluated: 2021-11-07. Review status: criteria provided, single submitter. Criteria: ACMG Guidelines, 2015. Collection method: clinical testing. Allele origin: germline. Affected: no.

GeneDx
Classification: Pathogenic. Last evaluated: 2018-12-18. Review status: criteria provided, single submitter. Criteria: GeneDx Variant Classification (06012015). Collection method: clinical testing. Allele origin: germline. Affected: yes.
Comment: The Q1392X nonsense variant in the TSC2 gene has been reported previously in association with tuberous sclerosis complex (TSC) (Martin et al., 2017). This pathogenic variant is predicted to cause loss of normal protein function either through protein truncation or nonsense-mediated mRNA decay. The Q1392X variant is not observed in large population cohorts (Lek et al., 2016).

Center for Human Genetics, Inc
Classification: Pathogenic for Tuberous sclerosis 2. Last evaluated: 2016-11-01. Review status: criteria provided, single submitter. Criteria: ACMG Guidelines, 2015. Collection method: clinical testing. Allele origin: germline. Affected: yes.

Neuberg Centre For Genomic Medicine, NCGM
Classification: Pathogenic for Tuberous sclerosis 2. Review status: criteria provided, single submitter. Criteria: ACMG Guidelines, 2015. Collection method: clinical testing. Allele origin: germline. Inheritance: Autosomal dominant inheritance. Affected: yes.
Comment: The observed stop gained variant c.4174C>T(p.Gln1392Ter) in the TSC2 gene has been reported previously in individuals affected with tuberous sclerosis (Reyna-Fabián ME, et al., 2020; Ding Y, et al., 2020). This variant is absent in the gnomAD Exomes. It is submitted to ClinVar as Pathogenic by multiple submitters. Computational evidence (MutationTaster - Disease causing) predicts damaging effect on protein structure and function for this variant. This variant is predicted to cause loss of normal protein function either through protein truncation or nonsense-mediated mRNA decay. Loss of function variants have been previously reported to be disease causing. For these reasons, this variant has been classified as Pathogenic.

Division of Genomic Medicine, Department of Advanced Medicine, Medical Research Institute, Kanazawa Medical University
Classification: Pathogenic for Tuberous sclerosis 2. Last evaluated: 2020-06-11. Review status: no assertion criteria provided. Collection method: clinical testing. Allele origin: germline. Affected: yes. Observed: 1 variant allele. Not counted in ClinVar's aggregate classification.

Tuberous sclerosis database (TSC2)
No classification provided. Condition: TSC. Review status: no classification provided. Criteria: Tuberous Sclerosis Database Assertion Criteria 2015. Collection method: curation. Allele origin: germline. Affected: yes. Not counted in ClinVar's aggregate classification.

Literature cited by the submitters: PubMed 10205261 (cited by Labcorp Genetics (formerly Invitae), Labcorp); PubMed 17304050 (cited by Labcorp Genetics (formerly Invitae), Labcorp); PubMed 32211034 (cited by Labcorp Genetics (formerly Invitae), Labcorp); PubMed 32313033 (cited by Labcorp Genetics (formerly Invitae), Labcorp).